The following is an entry in ClinVar:

NM_001042492.3(NF1):c.6819+1del

Gene: NF1 (neurofibromin 1; plus strand). Cytogenetic location: 17q11.2.
Variant type: Deletion.
Coding change: c.6819+1del on transcript NM_001042492.3 (MANE Select); the canonical splice donor site of the intron after coding-DNA position 6819, one base deleted (G; older notation c.6819+1delG).
Molecular consequence: splice donor variant.
Genome position (GRCh38, 1-based): chr17:31,338,140, G deleted; the last of 2 consecutive G bases (chr17:31,338,139-31,338,140); deleting either gives the same sequence. VCF-style (leftmost placement, unchanged base first): chr17-31338138-AG-A. GRCh37 (hg19) VCF-style: chr17-29665156-AG-A.
Other names: c.6756+1delG (NM_000267.3); c.6756+1del (NM_000267.4).
Identifiers: ClinVar variation 3237897 (VCV003237897.1), dbSNP rs2508759885.

ClinVar aggregate classification (germline): Likely pathogenic (1 of 4 stars; one submission).

Conditions:
Hereditary cancer-predisposing syndrome. Also called: Neoplastic Syndromes, Hereditary; Tumor predisposition; Hereditary neoplastic syndrome; Hereditary Cancer Syndrome. Identifiers: Orphanet 140162, MedGen C0027672, MeSH D009386, MONDO:0015356.
Cardiovascular phenotype. Identifiers: MedGen CN230736.

Submission:

Ambry Genetics
Classification: Likely pathogenic for Cardiovascular phenotype; Hereditary cancer-predisposing syndrome. Last evaluated: 2023-03-28. Review status: criteria provided, single submitter. Criteria: Ambry Variant Classification Scheme 2023. Collection method: clinical testing. Allele origin: germline.
Comment: The c.6756+1delG intronic variant, located in intron 44 of the NF1 gene, results from a deletion of one nucleotide within intron 44 of the NF1 gene. This nucleotide position is highly conserved in available vertebrate species. In silico splice site analysis predicts that this alteration will weaken the native splice donor site. RNA studies have demonstrated that this alteration results in abnormal splicing in the set of samples tested (Ambry internal data). This variant is considered to be rare based on population cohorts in the Genome Aggregation Database (gnomAD). Based on the majority of available evidence to date, this variant is likely to be pathogenic.